The following is an entry in ClinVar:

ClinVar aggregate classification (germline): not provided (0 of 4 stars; one submission).

Allele frequency attached by ClinVar (database versions not stated): gnomAD exomes 0.00007 and 0.00013; gnomAD 0.00013 and 0.00015; ExAC 0.00014; TOPMed 0.00029; 1000 Genomes Project 0.00040; 1000 Genomes Project 30x 0.00047.
gnomAD v4.1: 136 of 1,606,202 alleles (0.0085%); highest among the groups gnomAD compares: South Asian, 0.082%; no homozygotes.

Submission:

ITMI
No classification provided. Condition: AllHighlyPenetrant. Last evaluated: 2013-09-19. Review status: no classification provided. Collection method: reference population. Allele origin: germline.
Comment: Please see associated publication for description of ethnicities

Literature cited by the submitters: PubMed 24728327.

NM_170662.5(CBLB):c.743G>A (p.Arg248Gln)

Gene: CBLB (Cbl proto-oncogene B; minus strand). Cytogenetic location: 3q13.11.
Variant type: single nucleotide variant.
Coding change: c.743G>A on transcript NM_170662.5 (MANE Select); coding-DNA position 743, G replaced by A.
Protein change: p.Arg248Gln; replaces arginine 248 with glutamine.
Molecular consequence: missense variant. On other transcripts: 5 prime UTR variant (8), non-coding transcript variant (7).
Genome position (GRCh38, 1-based): chr3:105,746,019, C>T on the plus strand (G>A on the coding strand, the complement: CBLB is on the minus strand). VCF-style: chr3-105746019-C-T. GRCh37 (hg19) VCF-style: chr3-105464863-C-T.
Other names: c.827G>A, p.Arg276Gln (NM_001321786.1, NM_001321789.1); c.743G>A, p.Arg248Gln (NM_001321788.2, NM_001321791.2, NM_001321793.2 and 4 more transcripts); c.809G>A, p.Arg270Gln (NM_001321790.2); c.596G>A, p.Arg199Gln (NM_001321796.2, NM_001321799.2); c.-38G>A (NM_001321806.2, NM_001321807.2, NM_001321808.2 and 3 more transcripts); c.-610G>A (NM_001321820.2); c.-637G>A (NM_001321822.2); short protein forms R248Q, R199Q, R270Q, R276Q.
Identifiers: ClinVar variation 133829 (VCV000133829.1), dbSNP rs560042700, ClinGen allele CA157905.